The following is an entry in ClinVar:

ClinVar aggregate classification (germline): Uncertain significance (1 of 4 stars; one submission).

Submission:

Labcorp Genetics (formerly Invitae), Labcorp
Classification: Uncertain significance. Last evaluated: 2022-07-18. Review status: criteria provided, single submitter. Criteria: Invitae Variant Classification Sherloc (09022015). Collection method: clinical testing. Allele origin: germline.
Comment: In summary, the available evidence is currently insufficient to determine the role of this variant in disease. Therefore, it has been classified as a Variant of Uncertain Significance. Algorithms developed to predict the effect of sequence changes on RNA splicing suggest that this variant may create or strengthen a splice site. ClinVar contains an entry for this variant (Variation ID: 1376559). This variant has not been reported in the literature in individuals affected with GRM6-related conditions. This variant is not present in population databases (gnomAD no frequency). This variant, c.94_162dup, results in the insertion of 23 amino acid(s) of the GRM6 protein (p.Ser32_Gly54dup), but otherwise preserves the integrity of the reading frame.

NM_000843.4(GRM6):c.94_162dup (p.Ser32_Gly54dup)

Gene: GRM6 (glutamate metabotropic receptor 6; minus strand). Cytogenetic location: 5q35.3.
Variant type: Duplication.
Coding change: c.94_162dup on transcript NM_000843.4 (MANE Select); coding-DNA positions 94 to 162, 69 bases duplicated.
Protein change: p.Ser32_Gly54dup.
Molecular consequence: inframe insertion.
Genome position (GRCh38, 1-based): chr5:178,994,783-178,994,851, 69 bases duplicated. GRCh37 (hg19): chr5:178,421,795-178,421,863.
Identifiers: ClinVar variation 1376559 (VCV001376559.8), dbSNP rs2113348356, ClinGen allele CA2573139411.